The following is an entry in ClinVar:

ClinVar aggregate classification (germline): Pathogenic (1 of 4 stars; one submission).

Conditions:
Congenital disorder of deglycosylation (CDDG). Identifiers: MedGen C3808991, MONDO:0031376.

Submission:

Labcorp Genetics (formerly Invitae), Labcorp
Classification: Pathogenic for Congenital disorder of deglycosylation. Last evaluated: 2025-08-26. Review status: criteria provided, single submitter. Criteria: Invitae Variant Classification Sherloc (09022015). Collection method: clinical testing. Allele origin: germline.
Comment: This sequence change creates a premature translational stop signal (p.Ala549Ilefs*13) in the NGLY1 gene. It is expected to result in an absent or disrupted protein product. Loss-of-function variants in NGLY1 are known to be pathogenic (PMID: 24651605). This variant is present in population databases (rs369329661, gnomAD 0.01%). This variant has not been reported in the literature in individuals affected with NGLY1-related conditions. For these reasons, this variant has been classified as Pathogenic.

Literature cited by the submitters: PubMed 24651605.

NM_018297.4(NGLY1):c.1645_1648del (p.Ala549fs)

Gene: NGLY1 (N-glycanase 1; minus strand). Cytogenetic location: 3p24.2.
Variant type: Deletion.
Coding change: c.1645_1648del on transcript NM_018297.4 (MANE Select); coding-DNA positions 1645 to 1648, 4 bases deleted (GCTT; older notation c.1645_1648delGCTT).
Protein change: p.Ala549fs; shifts the reading frame from alanine 549.
Molecular consequence: frameshift variant. On other transcripts: intron variant (1).
Genome position (GRCh38, 1-based): chr3:25,720,155-25,720,158, AAGC deleted on the plus strand (GCTT on the coding strand, the reverse complement: NGLY1 is on the minus strand); deleting any 4 consecutive bases within chr3:25,720,155-25,720,160 gives the same sequence; the c. name uses the placement nearest the transcript's 3' end. VCF-style (leftmost placement, unchanged base first): chr3-25720154-TAAGC-T. GRCh37 (hg19) VCF-style: chr3-25761645-TAAGC-T.
Other names: c.1591_1594del, p.Ala531fs (NM_001145293.2); c.1519_1522del, p.Ala507fs (NM_001145294.2); c.1612-523_1612-520del (NM_001145295.2); short protein forms A507fs, A531fs, A549fs.
Identifiers: ClinVar variation 4810512 (VCV004810512.1).